The following is an entry in ClinVar:

NM_021813.4(BACH2):c.908G>A (p.Arg303Lys)

Gene: BACH2 (BACH transcriptional regulator 2; minus strand). Cytogenetic location: 6q15.
Variant type: single nucleotide variant.
Coding change: c.908G>A on transcript NM_021813.4 (MANE Select); coding-DNA position 908, G replaced by A.
Protein change: p.Arg303Lys; replaces arginine 303 with lysine.
Molecular consequence: missense variant.
Genome position (GRCh38, 1-based): chr6:89,951,198, C>T on the plus strand (G>A on the coding strand, the complement: BACH2 is on the minus strand). VCF-style: chr6-89951198-C-T. GRCh37 (hg19) VCF-style: chr6-90660917-C-T.
Other names: c.908G>A, p.Arg303Lys (NM_001170794.2); short protein forms R303K.
Identifiers: ClinVar variation 1349472 (VCV001349472.8), dbSNP rs2128356946, ClinGen allele CA365071963.

ClinVar aggregate classification (germline): Uncertain significance (1 of 4 stars; one submission).

Submission:

Labcorp Genetics (formerly Invitae), Labcorp
Classification: Uncertain significance. Last evaluated: 2021-04-27. Review status: criteria provided, single submitter. Criteria: Invitae Variant Classification Sherloc (09022015). Collection method: clinical testing. Allele origin: germline.
Comment: This variant is not present in population databases (ExAC no frequency). This variant has not been reported in the literature in individuals with BACH2-related conditions. Algorithms developed to predict the effect of missense changes on protein structure and function output the following: SIFT: "Tolerated"; PolyPhen-2: "Benign"; Align-GVGD: "Class C0". The lysine amino acid residue is found in multiple mammalian species, suggesting that this missense change does not adversely affect protein function. These predictions have not been confirmed by published functional studies and their clinical significance is uncertain. In summary, the available evidence is currently insufficient to determine the role of this variant in disease. Therefore, it has been classified as a Variant of Uncertain Significance. This sequence change replaces arginine with lysine at codon 303 of the BACH2 protein (p.Arg303Lys). The arginine residue is moderately conserved and there is a small physicochemical difference between arginine and lysine.